The following is an entry in ClinVar:

NM_014915.3(ANKRD26):c.359C>G (p.Ala120Gly)

Gene: ANKRD26 (ankyrin repeat domain containing 26; minus strand). Cytogenetic location: 10p12.1.
Variant type: single nucleotide variant.
Coding change: c.359C>G on transcript NM_014915.3 (MANE Select); coding-DNA position 359, C replaced by G.
Protein change: p.Ala120Gly; replaces alanine 120 with glycine.
Molecular consequence: missense variant.
Genome position (GRCh38, 1-based): chr10:27,093,521, G>C on the plus strand (C>G on the coding strand, the complement: ANKRD26 is on the minus strand). VCF-style: chr10-27093521-G-C. GRCh37 (hg19) VCF-style: chr10-27382450-G-C.
Other names: c.359C>G, p.Ala120Gly (NM_001256053.2); short protein forms A120G.
Identifiers: ClinVar variation 3913177 (VCV003913177.1).

ClinVar aggregate classification (germline): Uncertain significance (1 of 4 stars; one submission).

Conditions:
Inborn genetic diseases. Identifiers: MedGen C0950123, MeSH D030342.

gnomAD v4.1: 1 of 1,613,992 alleles (0.000062%); highest among the groups gnomAD compares: Admixed American, 0.0017%; no homozygotes.

Submission:

Ambry Genetics
Classification: Uncertain significance for Inborn genetic diseases. Last evaluated: 2025-03-24. Review status: criteria provided, single submitter. Criteria: Ambry Variant Classification Scheme 2023. Collection method: clinical testing. Allele origin: germline.
Comment: The p.A120G variant (also known as c.359C>G), located in coding exon 3 of the ANKRD26 gene, results from a C to G substitution at nucleotide position 359. The alanine at codon 120 is replaced by glycine, an amino acid with similar properties. This amino acid position is conserved. In addition, the in silico prediction for this alteration is inconclusive. Based on the available evidence, the clinical significance of this variant remains unclear.